The following is an entry in ClinVar:

ClinVar aggregate classification (germline): Uncertain significance (0 of 4 stars; one submission).

Conditions:
LRRC45-related disorder. Also called: LRRC45-related condition.

Submission:

PreventionGenetics, part of Exact Sciences
Classification: Uncertain significance for LRRC45-related condition. Last evaluated: 2024-09-26. Review status: no assertion criteria provided. Collection method: clinical testing. Allele origin: germline.
Comment: The LRRC45 c.1357G>A variant is predicted to result in the amino acid substitution p.Glu453Lys. To our knowledge, this variant has not been reported in the literature or in a large population database, indicating this variant is rare. At this time, the clinical significance of this variant is uncertain due to the absence of conclusive functional and genetic evidence.

NM_144999.4(LRRC45):c.1357G>A (p.Glu453Lys)

Gene: LRRC45 (leucine rich repeat containing 45; plus strand). Cytogenetic location: 17q25.3.
Variant type: single nucleotide variant.
Coding change: c.1357G>A on transcript NM_144999.4 (MANE Select); coding-DNA position 1357, G replaced by A.
Protein change: p.Glu453Lys; replaces glutamic acid 453 with lysine.
Molecular consequence: missense variant.
Genome position (GRCh38, 1-based): chr17:82,029,141, G>A. VCF-style: chr17-82029141-G-A. GRCh37 (hg19) VCF-style: chr17-79987017-G-A.
Other names: short protein forms E453K.
Identifiers: ClinVar variation 3347391 (VCV003347391.1).